The following is an entry in ClinVar:

NM_001267550.2(TTN):c.15662del (p.Gly5221fs)

Gene: TTN (titin; minus strand). Cytogenetic location: 2q31.2.
Variant type: Deletion.
Coding change: c.15662del on transcript NM_001267550.2 (MANE Select); coding-DNA position 15662, one base deleted (G; older notation c.15662delG).
Protein change: p.Gly5221fs; shifts the reading frame from glycine 5221.
Molecular consequence: frameshift variant. On other transcripts: intron variant (3).
Genome position (GRCh38, 1-based): chr2:178,733,727, C deleted on the plus strand (G on the coding strand, the reverse complement: TTN is on the minus strand); the first of 2 consecutive C bases (chr2:178,733,727-178,733,728); deleting either gives the same sequence. VCF-style (leftmost placement, unchanged base first): chr2-178733726-AC-A. GRCh37 (hg19) VCF-style: chr2-179598453-AC-A.
Other names: c.14711del, p.Gly4904fs (NM_001256850.1); c.15661delG, p.Gly5221Valfs (NM_001267550.1); c.11930del, p.Gly3977fs (NM_133378.4); c.13282+4355del (NM_003319.4); c.13858+4355del (NM_133437.4); c.13657+4355del (NM_133432.3); short protein forms G3977fs, G4904fs, G5221fs.
Identifiers: ClinVar variation 3372745 (VCV003372745.1).

ClinVar aggregate classification (germline): Uncertain significance (1 of 4 stars; one submission).

Submission:

GeneDx
Classification: Uncertain significance. Last evaluated: 2024-04-25. Review status: criteria provided, single submitter. Criteria: GeneDx Variant Classification Process June 2021. Collection method: clinical testing. Allele origin: germline. Affected: yes.
Comment: Not observed at significant frequency in large population cohorts (gnomAD); Frameshift variant predicted to result in protein truncation or nonsense mediated decay in a gene or region of a gene for which loss of function is not a well-established mechanism of disease; Has not been previously published as pathogenic or benign to our knowledge